The following is an entry in ClinVar:

ClinVar aggregate classification (germline): Uncertain significance. Review status: criteria provided, multiple submitters, no conflicts (2 of 4 stars). 2 submissions from 2 submitters: Uncertain significance (2). Last evaluated 2025-02-21.

Conditions:
Inborn genetic diseases. Identifiers: MedGen C0950123, MeSH D030342.
Deafness-lymphedema-leukemia syndrome. Also called: Emberger syndrome; Lymphedema, primary, with myelodysplasia. Identifiers: Orphanet 3226, MedGen C3279664, MONDO:0013540, OMIM 614038.
Monocytopenia with susceptibility to infections. Also called: MONOCYTOPENIA AND MYCOBACTERIAL INFECTION SYNDROME; MONOCYTOPENIA WITH SUSCEPTIBILITY TO MYCOBACTERIAL, FUNGAL, AND PAPILLOMAVIRUS INFECTIONS AND MYELODYSPLASIA; COMBINED IMMUNODEFICIENCY WITH SUSCEPTIBILITY TO MYCOBACTERIAL, VIRAL, AND FUNGAL INFECTIONS; IMMUNODEFICIENCY 21; GATA2 DEFICIENCY; Dendritic cell, monocyte, B lymphocyte, and natural killer lymphocyte deficiency. Identifiers: Orphanet 228423, MedGen C3280030, MONDO:0013607, OMIM 614172.

Allele frequency attached by ClinVar (database versions not stated): gnomAD 0.00001; TOPMed 0.00001.

Submissions (2):

Ambry Genetics
Classification: Uncertain significance for Inborn genetic diseases. Last evaluated: 2025-02-21. Review status: criteria provided, single submitter. Criteria: Ambry Variant Classification Scheme 2023. Collection method: clinical testing. Allele origin: germline.
Comment: The p.P22A variant (also known as c.64C>G), located in coding exon 1 of the GATA2 gene, results from a C to G substitution at nucleotide position 64. The proline at codon 22 is replaced by alanine, an amino acid with highly similar properties. This amino acid position is conserved. In addition, this alteration is predicted to be deleterious by in silico analysis. Based on the available evidence, the clinical significance of this variant remains unclear.

Labcorp Genetics (formerly Invitae), Labcorp
Classification: Uncertain significance for Monocytopenia with susceptibility to infections; Deafness-lymphedema-leukemia syndrome. Last evaluated: 2023-11-11. Review status: criteria provided, single submitter. Criteria: Invitae Variant Classification Sherloc (09022015). Collection method: clinical testing. Allele origin: germline.
Comment: This sequence change replaces proline, which is neutral and non-polar, with alanine, which is neutral and non-polar, at codon 22 of the GATA2 protein (p.Pro22Ala). This variant is present in population databases (no rsID available, gnomAD 0.006%). This variant has not been reported in the literature in individuals affected with GATA2-related conditions. ClinVar contains an entry for this variant (Variation ID: 1026344). Advanced modeling of protein sequence and biophysical properties (such as structural, functional, and spatial information, amino acid conservation, physicochemical variation, residue mobility, and thermodynamic stability) performed at Invitae indicates that this missense variant is not expected to disrupt GATA2 protein function with a negative predictive value of 95%. In summary, the available evidence is currently insufficient to determine the role of this variant in disease. Therefore, it has been classified as a Variant of Uncertain Significance.

NM_032638.5(GATA2):c.64C>G (p.Pro22Ala)

Gene: GATA2 (GATA binding protein 2; minus strand). Cytogenetic location: 3q21.3.
Variant type: single nucleotide variant.
Coding change: c.64C>G on transcript NM_032638.5 (MANE Select); coding-DNA position 64, C replaced by G.
Protein change: p.Pro22Ala; replaces proline 22 with alanine.
Molecular consequence: missense variant.
Genome position (GRCh38, 1-based): chr3:128,486,968, G>C on the plus strand (C>G on the coding strand, the complement: GATA2 is on the minus strand). VCF-style: chr3-128486968-G-C. GRCh37 (hg19) VCF-style: chr3-128205811-G-C.
Other names: c.64C>G, p.Pro22Ala (NM_001145661.2, NM_001145662.1); c.64C>G (NM_032638.4); short protein forms P22A.
Identifiers: ClinVar variation 1026344 (VCV001026344.9), dbSNP rs1172590651, ClinGen allele CA354409089.